The following is an entry in ClinVar:

ClinVar aggregate classification (germline): Uncertain significance (1 of 4 stars; one submission).

Conditions:
Hypertrophic cardiomyopathy. Also called: HYPERTROPHIC MYOCARDIOPATHY. Identifiers: Orphanet 217569, MedGen C0007194, MeSH D002312, MONDO:0005045, HP:0001639.

Allele frequency attached by ClinVar (database versions not stated): gnomAD 0.00001; TOPMed 0.00001.
gnomAD v4.1: 1 of 1,614,038 alleles (0.000062%); highest among the groups gnomAD compares: African/African-American, 0.0013%; no homozygotes.

Submission:

Labcorp Genetics (formerly Invitae), Labcorp
Classification: Uncertain significance for Hypertrophic cardiomyopathy. Last evaluated: 2023-12-18. Review status: criteria provided, single submitter. Criteria: Invitae Variant Classification Sherloc (09022015). Collection method: clinical testing. Allele origin: germline.
Comment: This sequence change falls in intron 5 of the MYH7 gene. It does not directly change the encoded amino acid sequence of the MYH7 protein. It affects a nucleotide within the consensus splice site. This variant is not present in population databases (gnomAD no frequency). This variant has not been reported in the literature in individuals affected with MYH7-related conditions. ClinVar contains an entry for this variant (Variation ID: 1492420). Variants that disrupt the consensus splice site are a relatively common cause of aberrant splicing (PMID: 17576681, 9536098). Algorithms developed to predict the effect of sequence changes on RNA splicing suggest that this variant may disrupt the consensus splice site. In summary, the available evidence is currently insufficient to determine the role of this variant in disease. Therefore, it has been classified as a Variant of Uncertain Significance.

Literature cited by the submitters: PubMed 17576681; PubMed 9536098.

NM_000257.4(MYH7):c.503-3C>T

Gene: MYH7 (myosin heavy chain 7; minus strand). Cytogenetic location: 14q11.2.
Variant type: single nucleotide variant.
Coding change: c.503-3C>T on transcript NM_000257.4 (MANE Select); 3 bases into the intron before coding-DNA position 503, C replaced by T.
Molecular consequence: intron variant.
Genome position (GRCh38, 1-based): chr14:23,432,509, G>A on the plus strand (C>T on the coding strand, the complement: MYH7 is on the minus strand). VCF-style: chr14-23432509-G-A. GRCh37 (hg19) VCF-style: chr14-23901718-G-A.
Identifiers: ClinVar variation 1492420 (VCV001492420.5), dbSNP rs1345179367, ClinGen allele CA704269781.